The following is an entry in ClinVar:

NM_005228.5(EGFR):c.3464C>G (p.Ala1155Gly)

Gene: EGFR (epidermal growth factor receptor; plus strand). Cytogenetic location: 7p11.2.
Variant type: single nucleotide variant.
Coding change: c.3464C>G on transcript NM_005228.5 (MANE Select); coding-DNA position 3464, C replaced by G.
Protein change: p.Ala1155Gly; replaces alanine 1155 with glycine.
Molecular consequence: missense variant.
Genome position (GRCh38, 1-based): chr7:55,205,448, C>G. VCF-style: chr7-55205448-C-G. GRCh37 (hg19) VCF-style: chr7-55273141-C-G.
Other names: c.3329C>G, p.Ala1110Gly (NM_001346899.2); c.3305C>G, p.Ala1102Gly (NM_001346900.2); c.2663C>G, p.Ala888Gly (NM_001346941.2); short protein forms A888G, A1155G, A1102G, A1110G.
Identifiers: ClinVar variation 4016749 (VCV004016749.1).

ClinVar aggregate classification (germline): Uncertain significance (1 of 4 stars; one submission).

Conditions:
Hereditary cancer-predisposing syndrome. Also called: Tumor predisposition; Hereditary neoplastic syndrome; Neoplastic Syndromes, Hereditary; Hereditary Cancer Syndrome. Identifiers: Orphanet 140162, MedGen C0027672, MeSH D009386, MONDO:0015356.

Submission:

Ambry Genetics
Classification: Uncertain significance for Hereditary cancer-predisposing syndrome. Last evaluated: 2025-04-18. Review status: criteria provided, single submitter. Criteria: Ambry Variant Classification Scheme 2023. Collection method: clinical testing. Allele origin: germline.
Comment: The p.A1155G variant (also known as c.3464C>G), located in coding exon 28 of the EGFR gene, results from a C to G substitution at nucleotide position 3464. The alanine at codon 1155 is replaced by glycine, an amino acid with similar properties. This amino acid position is conserved. In addition, this alteration is predicted to be tolerated by in silico analysis. Based on the available evidence, the clinical significance of this variant remains unclear.